The following is an entry in ClinVar:

NM_006393.3(NEBL):c.1670A>T (p.Gln557Leu)

Gene: NEBL (nebulette; minus strand). Cytogenetic location: 10p12.31.
Variant type: single nucleotide variant.
Coding change: c.1670A>T on transcript NM_006393.3 (MANE Select); coding-DNA position 1670, A replaced by T.
Protein change: p.Gln557Leu; replaces glutamine 557 with leucine.
Molecular consequence: missense variant. On other transcripts: intron variant (9).
Genome position (GRCh38, 1-based): chr10:20,831,197, T>A on the plus strand (A>T on the coding strand, the complement: NEBL is on the minus strand). VCF-style: chr10-20831197-T-A. GRCh37 (hg19) VCF-style: chr10-21120126-T-A.
Other names: c.250-18257A>T (NM_001377326.1, NM_001377327.1, NM_001377328.1); c.358-18257A>T (NM_213569.2, NM_001173484.2, NM_001377322.1); c.301-18257A>T (NM_001377324.1); c.292-18257A>T (NM_001377325.1); c.310-18257A>T (NM_001377323.1); short protein forms Q557L.
Identifiers: ClinVar variation 2625790 (VCV002625790.2), dbSNP rs2491770277, ClinGen allele CA376096989.

ClinVar aggregate classification (germline): Uncertain significance (1 of 4 stars; one submission).

Submission:

Ambry Genetics
Classification: Uncertain significance. Last evaluated: 2023-08-03. Review status: criteria provided, single submitter. Criteria: Ambry Variant Classification Scheme 2023. Collection method: clinical testing. Allele origin: germline.
Comment: The p.Q557L variant (also known as c.1670A>T), located in coding exon 16 of the NEBL gene, results from an A to T substitution at nucleotide position 1670. The glutamine at codon 557 is replaced by leucine, an amino acid with dissimilar properties. This amino acid position is conserved. In addition, this alteration is predicted to be tolerated by in silico analysis. Since supporting evidence is limited at this time, the clinical significance of this alteration remains unclear.